The following is an entry in ClinVar:

ClinVar aggregate classification (germline): Uncertain significance (1 of 4 stars; one submission).

Submission:

Ambry Genetics
Classification: Uncertain significance. Last evaluated: 2025-03-29. Review status: criteria provided, single submitter. Criteria: Ambry Variant Classification Scheme 2023. Collection method: clinical testing. Allele origin: germline.
Comment: The p.A77P variant (also known as c.229G>C), located in coding exon 1 of the ATRIP gene, results from a G to C substitution at nucleotide position 229. The alanine at codon 77 is replaced by proline, an amino acid with highly similar properties. This amino acid position is conserved. In addition, this alteration is predicted to be tolerated by in silico analysis. Based on the available evidence, the clinical significance of this variant remains unclear.

NM_130384.3(ATRIP):c.229G>C (p.Ala77Pro)

Genes: ATRIP (ATR interacting protein; plus strand), ATRIP-TREX1 (ATRIP-TREX1 readthrough; plus strand). Cytogenetic location: 3p21.31.
Variant type: single nucleotide variant.
Coding change: c.229G>C on transcript NM_130384.3 (MANE Select); coding-DNA position 229, G replaced by C.
Protein change: p.Ala77Pro; replaces alanine 77 with proline.
Molecular consequence: missense variant. On other transcripts: non-coding transcript variant (1), intron variant (1).
Genome position (GRCh38, 1-based): chr3:48,447,074, G>C. VCF-style: chr3-48447074-G-C. GRCh37 (hg19) VCF-style: chr3-48488478-G-C.
Other names: c.229G>C, p.Ala77Pro (NM_032166.4); c.-218+275G>C (NM_001271022.2); short protein forms A77P.
Identifiers: ClinVar variation 3975799 (VCV003975799.1).
Genomic context (GRCh38, chr3:48,447,074, plus strand): 5'-GCCGACGACCTGGAGGAGCTTGACACCCTCGCGTCACAGGCCCTGAGCCAATGTCCGGCC[G>C]CGGCTCGGGACGTGTCCAGTGAGTGCTCCTCGCGGCCTTTTGCTCGGAGGGAGTTGTCAA-3'
Protein context (NP_569055.1, residues 67-87): ASQALSQCPA[Ala77Pro]ARDVSSDHKV